The following is an entry in ClinVar:

ClinVar aggregate classification (germline): Likely pathogenic. Review status: criteria provided, multiple submitters, no conflicts (2 of 4 stars). 2 submissions from 2 submitters: Likely pathogenic (2). Last evaluated 2024-06-04.

Conditions:
Foveal hypoplasia - optic nerve decussation defect - anterior segment dysgenesis syndrome. Also called: Foveal hypoplasia 2; FOVEAL HYPOPLASIA 2 WITH OR WITHOUT OPTIC NERVE MISROUTING AND/OR ANTERIOR SEGMENT DYSGENESIS; FOVEAL HYPOPLASIA 2 WITH OPTIC NERVE DECUSSATION DEFECTS AND ANTERIOR SEGMENT DYSGENESIS WITHOUT ALBINISM; FOVEAL HYPOPLASIA 2 WITH OR WITHOUT MICROPHTHALMIA OR COLOBOMA. Identifiers: Orphanet 397618, MedGen C3807873, MONDO:0012216, OMIM 609218.

Allele frequency attached by ClinVar (database versions not stated): gnomAD exomes below 0.00001.
gnomAD v4.1: 3 of 1,613,884 alleles (0.00019%); highest among the groups gnomAD compares: Non-Finnish European, 0.00025%; no homozygotes.

Submissions (2):

Fulgent Genetics
Classification: Likely pathogenic for Foveal hypoplasia - optic nerve decussation defect - anterior segment dysgenesis syndrome. Last evaluated: 2024-06-04. Review status: criteria provided, single submitter. Criteria: ACMG Guidelines, 2015. Collection method: clinical testing. Allele origin: germline.

Labcorp Genetics (formerly Invitae), Labcorp
Classification: Likely pathogenic. Last evaluated: 2023-12-05. Review status: criteria provided, single submitter. Criteria: Invitae Variant Classification Sherloc (09022015). Collection method: clinical testing. Allele origin: germline.
Comment: This sequence change affects a donor splice site in intron 3 of the SLC38A8 gene. It is expected to disrupt RNA splicing. Variants that disrupt the donor or acceptor splice site typically lead to a loss of protein function (PMID: 16199547), and loss-of-function variants in SLC38A8 are known to be pathogenic (PMID: 24290379). This variant is present in population databases (no rsID available, gnomAD 0.0009%). This variant has not been reported in the literature in individuals affected with SLC38A8-related conditions. In summary, the currently available evidence indicates that the variant is pathogenic, but additional data are needed to prove that conclusively. Therefore, this variant has been classified as Likely Pathogenic.

Literature cited by the submitters: PubMed 16199547 (cited by Labcorp Genetics (formerly Invitae), Labcorp); PubMed 24290379 (cited by Labcorp Genetics (formerly Invitae), Labcorp).

NM_001080442.3(SLC38A8):c.530+2T>C

Gene: SLC38A8 (solute carrier family 38 member 8; minus strand). Cytogenetic location: 16q23.3.
Variant type: single nucleotide variant.
Coding change: c.530+2T>C on transcript NM_001080442.3 (MANE Select); the canonical splice donor site of the intron after coding-DNA position 530, T replaced by C.
Molecular consequence: splice donor variant.
Genome position (GRCh38, 1-based): chr16:84,033,326, A>G on the plus strand (T>C on the coding strand, the complement: SLC38A8 is on the minus strand). VCF-style: chr16-84033326-A-G. GRCh37 (hg19) VCF-style: chr16-84066931-A-G.
Identifiers: ClinVar variation 2986023 (VCV002986023.4), dbSNP rs1463272578, ClinGen allele CA396939318.